The following is an entry in ClinVar:

ClinVar aggregate classification (germline): Uncertain significance. Review status: criteria provided, multiple submitters, no conflicts (2 of 4 stars). 2 submissions from 2 submitters: Uncertain significance (2). Last evaluated 2023-01-27.

Allele frequency attached by ClinVar (database versions not stated): gnomAD 0.00001; TOPMed 0.00003; gnomAD exomes 0.00005; ExAC 0.00006.
gnomAD v4.1: 80 of 1,543,796 alleles (0.0052%); highest among the groups gnomAD compares: Middle Eastern, 0.48%; 1 homozygote.

Submissions (2):

Women's Health and Genetics/Laboratory Corporation of America, LabCorp
Classification: Uncertain significance. Last evaluated: 2023-01-27. Review status: criteria provided, single submitter. Criteria: LabCorp Variant Classification Summary - May 2015. Collection method: clinical testing. Allele origin: germline.
Comment: Variant summary: PLEKHG2 c.929C>T (p.Ala310Val) results in a non-conservative amino acid change in the encoded protein sequence. Three of five in-silico tools predict a damaging effect of the variant on protein function. The variant allele was found at a frequency of 7.3e-05 in 150056 control chromosomes in the gnomAD database, including 1 homozygote. To our knowledge, no occurrence of c.929C>T in individuals affected with Leukodystrophy And Acquired Microcephaly With Or Without Dystonia and no experimental evidence demonstrating its impact on protein function have been reported. No clinical diagnostic laboratories have submitted clinical-significance assessments for this variant to ClinVar after 2014. Based on the evidence outlined above, the variant was classified as uncertain significance.

Labcorp Genetics (formerly Invitae), Labcorp
Classification: Uncertain significance. Last evaluated: 2022-10-05. Review status: criteria provided, single submitter. Criteria: Invitae Variant Classification Sherloc (09022015). Collection method: clinical testing. Allele origin: germline.
Comment: This sequence change replaces alanine, which is neutral and non-polar, with valine, which is neutral and non-polar, at codon 310 of the PLEKHG2 protein (p.Ala310Val). This variant is present in population databases (rs773642706, gnomAD 0.01%). This variant has not been reported in the literature in individuals affected with PLEKHG2-related conditions. Algorithms developed to predict the effect of missense changes on protein structure and function (SIFT, PolyPhen-2, Align-GVGD) all suggest that this variant is likely to be disruptive. In summary, the available evidence is currently insufficient to determine the role of this variant in disease. Therefore, it has been classified as a Variant of Uncertain Significance.

NM_022835.3(PLEKHG2):c.929C>T (p.Ala310Val)

Gene: PLEKHG2 (pleckstrin homology and RhoGEF domain containing G2; plus strand). Cytogenetic location: 19q13.2.
Variant type: single nucleotide variant.
Coding change: c.929C>T on transcript NM_022835.3 (MANE Select); coding-DNA position 929, C replaced by T.
Protein change: p.Ala310Val; replaces alanine 310 with valine.
Molecular consequence: missense variant.
Genome position (GRCh38, 1-based): chr19:39,417,951, C>T. VCF-style: chr19-39417951-C-T. GRCh37 (hg19) VCF-style: chr19-39908591-C-T.
Other names: c.752C>T, p.Ala251Val (NM_001351693.2); c.929C>T, p.Ala310Val (NM_001351694.2); c.929C>T (NM_022835.2); short protein forms A251V, A310V.
Identifiers: ClinVar variation 2145651 (VCV002145651.5), dbSNP rs773642706, ClinGen allele CA9429292.
Genomic context (GRCh38, chr19:39,417,951, plus strand): 5'-CGGGGTCCCGGCAGGAAGTGCAGCGGCGGCTGGGTGGCTGGACCGGACCAGAGCTCAGTG[C>T]TTTTGGGGAACTGGTGTTGGAGGGCGCGTTCCGAGGAGGCGGAGGGGGTGGCCCCCGGCT-3'
Protein context (NP_073746.2, residues 300-320): LGGWTGPELS[Ala310Val]FGELVLEGAF